The following is an entry in ClinVar:

GRCh38/hg38 6q25.3(chr6:156228411-157108989)x1

Genes: ARID1B (AT-rich interaction domain 1B; plus strand), MIR4466 (microRNA 4466; minus strand), SNORD28B (small nucleolar RNA, C/D box 28B; plus strand), LOC105378073 (uncharacterized LOC105378073; minus strand), LOC115308161 (uncharacterized LOC115308161; minus strand) and 38 more. Cytogenetic location: 6q25.3.
Variant type: copy number loss.
Change: copy number 1 (one copy instead of two) of chr6:156,228,411-157,108,989 (880.6 kb, GRCh38 coordinates, 1-based), cytogenetic band 6q25.3.
Identifiers: ClinVar variation 57138 (VCV000057138.2).

ClinVar aggregate classification (germline): Likely pathogenic (1 of 4 stars; one submission).

Submission:

ISCA site 4
Classification: Likely pathogenic. Last evaluated: 2017-09-01. Review status: criteria provided, single submitter. Criteria: Kaminsky et al. (Genet Med. 2011). Collection method: clinical testing. Allele origin: unknown. Affected: yes. Observed: 1 variant allele.
Comment: Copy number variation identified through the course of routine clinical cytogenomic testing in postnatal populations. Clinical assertions have been curated as described in Kaminsky et al. 2011.